The following is an entry in ClinVar:

NM_031935.3(HMCN1):c.11059A>G (p.Thr3687Ala)

Gene: HMCN1 (hemicentin 1; plus strand). Cytogenetic location: 1q31.1.
Variant type: single nucleotide variant.
Coding change: c.11059A>G on transcript NM_031935.3 (MANE Select); coding-DNA position 11059, A replaced by G.
Protein change: p.Thr3687Ala; replaces threonine 3687 with alanine.
Molecular consequence: missense variant.
Genome position (GRCh38, 1-based): chr1:186,112,881, A>G. VCF-style: chr1-186112881-A-G. GRCh37 (hg19) VCF-style: chr1-186082013-A-G.
Other names: short protein forms T3687A.
Identifiers: ClinVar variation 2168860 (VCV002168860.4), dbSNP rs146431900, ClinGen allele CA1293916.

ClinVar aggregate classification (germline): Uncertain significance (1 of 4 stars; one submission).

Allele frequency attached by ClinVar (database versions not stated): ExAC 0.00001; gnomAD exomes 0.00001; TOPMed 0.00001; ESP Exome Variant Server 0.00008.
gnomAD v4.1: 12 of 1,614,186 alleles (0.00074%); highest among the groups gnomAD compares: Middle Eastern, 0.016%; no homozygotes.

Submission:

Labcorp Genetics (formerly Invitae), Labcorp
Classification: Uncertain significance. Last evaluated: 2022-07-23. Review status: criteria provided, single submitter. Criteria: Invitae Variant Classification Sherloc (09022015). Collection method: clinical testing. Allele origin: germline.
Comment: Algorithms developed to predict the effect of missense changes on protein structure and function output the following: SIFT: "Deleterious"; PolyPhen-2: "Benign"; Align-GVGD: "Class C0". The alanine amino acid residue is found in multiple mammalian species, which suggests that this missense change does not adversely affect protein function. This sequence change replaces threonine, which is neutral and polar, with alanine, which is neutral and non-polar, at codon 3687 of the HMCN1 protein (p.Thr3687Ala). This variant is present in population databases (rs146431900, gnomAD 0.003%). This variant has not been reported in the literature in individuals affected with HMCN1-related conditions. In summary, the available evidence is currently insufficient to determine the role of this variant in disease. Therefore, it has been classified as a Variant of Uncertain Significance.